The following is an entry in ClinVar:

ClinVar aggregate classification (germline): Uncertain significance (1 of 4 stars; one submission).

Allele frequency attached by ClinVar (database versions not stated): gnomAD 0.00001; gnomAD exomes 0.00002 and 0.00006; TOPMed 0.00002; ExAC 0.00006.
gnomAD v4.1: 41 of 1,613,660 alleles (0.0025%); highest among the groups gnomAD compares: East Asian, 0.06%; 1 homozygote.

Submission:

Labcorp Genetics (formerly Invitae), Labcorp
Classification: Uncertain significance. Last evaluated: 2025-07-24. Review status: criteria provided, single submitter. Criteria: Invitae Variant Classification Sherloc (09022015). Collection method: clinical testing. Allele origin: germline.
Comment: This sequence change replaces serine, which is neutral and polar, with asparagine, which is neutral and polar, at codon 3564 of the PCLO protein (p.Ser3564Asn). This variant is present in population databases (rs760751988, gnomAD 0.06%), including at least one homozygous and/or hemizygous individual. This variant has not been reported in the literature in individuals affected with PCLO-related conditions. ClinVar contains an entry for this variant (Variation ID: 1377226). Experimental studies and prediction algorithms are not available or were not evaluated, and the functional significance of this variant is currently unknown. In summary, the available evidence is currently insufficient to determine the role of this variant in disease. Therefore, it has been classified as a Variant of Uncertain Significance.

NM_033026.6(PCLO):c.10691G>A (p.Ser3564Asn)

Gene: PCLO (piccolo presynaptic cytomatrix protein; minus strand). Cytogenetic location: 7q21.11.
Variant type: single nucleotide variant.
Coding change: c.10691G>A on transcript NM_033026.6 (MANE Select); coding-DNA position 10691, G replaced by A.
Protein change: p.Ser3564Asn; replaces serine 3564 with asparagine.
Molecular consequence: missense variant.
Genome position (GRCh38, 1-based): chr7:82,949,897, C>T on the plus strand (G>A on the coding strand, the complement: PCLO is on the minus strand). VCF-style: chr7-82949897-C-T. GRCh37 (hg19) VCF-style: chr7-82579213-C-T.
Other names: c.10691G>A, p.Ser3564Asn (NM_014510.3); short protein forms S3564N.
Identifiers: ClinVar variation 1377226 (VCV001377226.6), dbSNP rs760751988, ClinGen allele CA4319699.